The following is an entry in ClinVar:

NM_001470.4(GABBR1):c.2104A>T (p.Arg702Trp)

Gene: GABBR1 (gamma-aminobutyric acid type B receptor subunit 1; minus strand). Cytogenetic location: 6p22.1.
Variant type: single nucleotide variant.
Coding change: c.2104A>T on transcript NM_001470.4 (MANE Select); coding-DNA position 2104, A replaced by T.
Protein change: p.Arg702Trp; replaces arginine 702 with tryptophan.
Molecular consequence: missense variant.
Genome position (GRCh38, 1-based): chr6:29,607,107, T>A on the plus strand (A>T on the coding strand, the complement: GABBR1 is on the minus strand). VCF-style: chr6-29607107-T-A. GRCh37 (hg19) VCF-style: chr6-29574884-T-A.
Other names: c.1573A>T, p.Arg525Trp (NM_001319053.2); c.1753A>T, p.Arg585Trp (NM_021903.3); c.1918A>T, p.Arg640Trp (NM_021904.4); short protein forms R525W, R585W, R640W, R702W.
Identifiers: ClinVar variation 4086594 (VCV004086594.1).

ClinVar aggregate classification (germline): Uncertain significance (1 of 4 stars; one submission).

Submission:

GeneDx
Classification: Uncertain significance. Last evaluated: 2025-03-17. Review status: criteria provided, single submitter. Criteria: GeneDx Variant Classification Process June 2021. Collection method: clinical testing. Allele origin: germline. Affected: yes.
Comment: Not observed at significant frequency in large population cohorts (gnomAD); In silico analysis supports that this missense variant has a deleterious effect on protein structure/function; Has not been previously published as pathogenic or benign to our knowledge